The following is an entry in ClinVar:

NM_206933.4(USH2A):c.828C>G (p.Tyr276Ter)

Gene: USH2A (usherin; minus strand). Cytogenetic location: 1q41.
Variant type: single nucleotide variant.
Coding change: c.828C>G on transcript NM_206933.4 (MANE Select); coding-DNA position 828, C replaced by G.
Protein change: p.Tyr276Ter; replaces tyrosine 276 with a stop codon.
Molecular consequence: nonsense.
Genome position (GRCh38, 1-based): chr1:216,327,611, G>C on the plus strand (C>G on the coding strand, the complement: USH2A is on the minus strand). VCF-style: chr1-216327611-G-C. GRCh37 (hg19) VCF-style: chr1-216500953-G-C.
Other names: c.828C>G, p.Tyr276Ter (NM_007123.6); short protein forms Y276*.
Identifiers: ClinVar variation 551646 (VCV000551646.11), dbSNP rs1553250952, ClinGen allele CA344912839.

ClinVar aggregate classification (germline): Pathogenic/Likely pathogenic. Review status: criteria provided, multiple submitters, no conflicts (2 of 4 stars). 10 submissions from 8 submitters: Pathogenic (7); Likely pathogenic (2). 1 of the submissions does not count toward it. Last evaluated 2023-11-04.

Conditions:
Retinal dystrophy. Also called: Inherited retinal dystrophy. Identifiers: Orphanet 71862, MedGen C0854723, MeSH D058499, MONDO:0019118, HP:0000556.
Usher syndrome type 2A. Also called: RETINAL DISEASE IN USHER SYNDROME TYPE IIA, MODIFIER OF; USHER SYNDROME, TYPE IIA. Identifiers: Orphanet 231178, Orphanet 886, MedGen C1848634, MONDO:0010169, OMIM 276901.
Retinitis pigmentosa 39 (RP39). Identifiers: Orphanet 791, MedGen C3151138, MONDO:0013436, OMIM 613809.
USH2A-related disorder. Also called: USH2A-related disorders; USH2A-related condition. Identifiers: MedGen CN239332.

gnomAD v4.1: 1 of 1,613,166 alleles (0.000062%); highest among the groups gnomAD compares: Non-Finnish European, 0.000085%; no homozygotes.

Submissions (10):

Genome-Nilou Lab
Classification: Likely pathogenic for Retinitis pigmentosa 39. Last evaluated: 2023-11-04. Review status: criteria provided, single submitter. Criteria: ACMG Guidelines, 2015. Collection method: clinical testing. Allele origin: germline. Affected: no.

Genome-Nilou Lab
Classification: Likely pathogenic for Usher syndrome type 2A. Last evaluated: 2023-11-04. Review status: criteria provided, single submitter. Criteria: ACMG Guidelines, 2015. Collection method: clinical testing. Allele origin: germline. Affected: no.

Labcorp Genetics (formerly Invitae), Labcorp
Classification: Pathogenic. Last evaluated: 2023-03-20. Review status: criteria provided, single submitter. Criteria: Invitae Variant Classification Sherloc (09022015). Collection method: clinical testing. Allele origin: germline.
Comment: This sequence change creates a premature translational stop signal (p.Tyr276*) in the USH2A gene. It is expected to result in an absent or disrupted protein product. Loss-of-function variants in USH2A are known to be pathogenic (PMID: 10729113, 10909849, 20507924, 25649381). This variant is not present in population databases (gnomAD no frequency). This premature translational stop signal has been observed in individual(s) with retinitis pigmentosa (PMID: 23591405). ClinVar contains an entry for this variant (Variation ID: 551646). For these reasons, this variant has been classified as Pathogenic.

Baylor Genetics
Classification: Pathogenic for Retinitis pigmentosa 39. Last evaluated: 2022-12-26. Review status: criteria provided, single submitter. Criteria: ACMG Guidelines, 2015. Collection method: clinical testing. Allele origin: unknown.

Institute of Human Genetics, University of Leipzig Medical Center
Classification: Pathogenic for Retinitis pigmentosa 39. Last evaluated: 2022-11-24. Review status: criteria provided, single submitter. Criteria: ACMG Guidelines, 2015. Collection method: clinical testing. Allele origin: unknown. Affected: yes.
Comment: _x000D_ Criteria applied: PVS1, PM3, PM2_SUP

Institute of Human Genetics, University of Leipzig Medical Center
Classification: Pathogenic for Usher syndrome type 2A. Last evaluated: 2022-02-02. Review status: criteria provided, single submitter. Criteria: ACMG Guidelines, 2015. Collection method: clinical testing. Allele origin: unknown. Affected: yes.
Comment: _x000D_ Criteria applied: PVS1, PS4_MOD, PM3, PM2_SUP

Blueprint Genetics
Classification: Pathogenic for USH2A-related disorders. Last evaluated: 2019-10-10. Review status: criteria provided, single submitter. Criteria: ACMG Guidelines, 2015. Collection method: clinical testing. Allele origin: germline. Affected: yes. Observed: 2 variant alleles.

GeneDx
Classification: Pathogenic. Last evaluated: 2018-06-11. Review status: criteria provided, single submitter. Criteria: GeneDx Variant Classification (06012015). Collection method: clinical testing. Allele origin: germline. Affected: yes.
Comment: The Y276X variant in the USH2A gene has been reported previously in an individual with retinitis pigmentosa who harbored an additional variant in the USH2A gene in trans (Glockle et al., 2014). This variant is predicted to cause loss of normal protein function either through protein truncation or nonsense-mediated mRNA decay. The Y276X variant is not observed in large population cohorts (Lek et al., 2016). We interpret Y276X as a pathogenic variant.

Institute of Human Genetics, Univ. Regensburg, Univ. Regensburg
Classification: Pathogenic for Retinal dystrophy. Last evaluated: 2016-01-01. Review status: criteria provided, single submitter. Criteria: ACMG Guidelines, 2015. Collection method: clinical testing. Allele origin: germline. Affected: yes.

Counsyl
Classification: Likely pathogenic for Usher syndrome type 2A; Retinitis pigmentosa 39. Last evaluated: 2017-05-03. Review status: no assertion criteria provided. Collection method: clinical testing. Allele origin: unknown. Not counted in ClinVar's aggregate classification.

Literature cited by the submitters: PubMed 10729113 (cited by Labcorp Genetics (formerly Invitae), Labcorp); PubMed 10909849 (cited by Labcorp Genetics (formerly Invitae), Labcorp); PubMed 20507924 (cited by Labcorp Genetics (formerly Invitae), Labcorp); PubMed 25649381 (cited by Labcorp Genetics (formerly Invitae), Labcorp); PubMed 23591405 (cited by 3 submitters); PubMed 3253185 (cited by Institute of Human Genetics, Univ. Regensburg, Univ. Regensburg).